The following is an entry in ClinVar:

NM_000901.5(NR3C2):c.1331A>C (p.Asn444Thr)

Gene: NR3C2 (nuclear receptor subfamily 3 group C member 2; minus strand). Cytogenetic location: 4q31.23.
Variant type: single nucleotide variant.
Coding change: c.1331A>C on transcript NM_000901.5 (MANE Select); coding-DNA position 1331, A replaced by C.
Protein change: p.Asn444Thr; replaces asparagine 444 with threonine.
Molecular consequence: missense variant. On other transcripts: non-coding transcript variant (1).
Genome position (GRCh38, 1-based): chr4:148,435,530, T>G on the plus strand (A>C on the coding strand, the complement: NR3C2 is on the minus strand). VCF-style: chr4-148435530-T-G. GRCh37 (hg19) VCF-style: chr4-149356682-T-G.
Other names: p.Asn444Thr; c.1331A>C, p.Asn444Thr (NM_001166104.2, NM_001354819.1); short protein forms N444T.
Identifiers: ClinVar variation 781734 (VCV000781734.16), dbSNP rs5523, ClinGen allele CA3100325.

ClinVar aggregate classification (germline): Benign. Review status: criteria provided, multiple submitters, no conflicts (2 of 4 stars). 5 submissions from 5 submitters: Benign (4). 1 of the submissions does not count toward it. Last evaluated 2026-01-27.

Conditions:
NR3C2-related disorder. Also called: NR3C2-related disorders; NR3C2-related condition.
Autosomal dominant pseudohypoaldosteronism type 1. Also called: Pseudohypoaldosteronism, Type I, Autosomal Dominant; PHA I, AUTOSOMAL DOMINANT; Pseudohypoaldosteronism, Type I, Dominant. Identifiers: Orphanet 171871, Orphanet 756, MedGen C1449842, MONDO:0008329, OMIM 177735.

Allele frequency attached by ClinVar (database versions not stated): gnomAD exomes 0.00064 and 0.00175; ExAC 0.00218; 1000 Genomes Project 30x 0.00547; 1000 Genomes Project 0.00559; gnomAD 0.00682 and 0.00741; TOPMed 0.00762; ESP Exome Variant Server 0.00792.
gnomAD v4.1: 2,008 of 1,614,138 alleles (0.12%); highest among the groups gnomAD compares: African/African-American, 2.4%; 21 homozygotes.

Submissions (5):

Labcorp Genetics (formerly Invitae), Labcorp
Classification: Benign. Last evaluated: 2026-01-27. Review status: criteria provided, single submitter. Criteria: Invitae Variant Classification Sherloc (09022015). Collection method: clinical testing. Allele origin: germline.

Mayo Clinic Laboratories, Mayo Clinic
Classification: Benign. Last evaluated: 2024-09-20. Review status: criteria provided, single submitter. Criteria: ACMG Guidelines, 2015. Collection method: clinical testing. Allele origin: germline. Observed: 1 variant allele.
Comment: BS1, BS2, BP4

Illumina Laboratory Services, Illumina
Classification: Benign for Autosomal dominant pseudohypoaldosteronism type 1. Last evaluated: 2018-01-13. Review status: criteria provided, single submitter. Criteria: ICSL Variant Classification Criteria 13 December 2019. Collection method: clinical testing. Allele origin: germline.
Comment: This variant was observed in the ICSL laboratory as part of a predisposition screen in an ostensibly healthy population. It had not been previously curated by ICSL or reported in the Human Gene Mutation Database (HGMD: prior to June 1st, 2018), and was therefore a candidate for classification through an automated scoring system. Utilizing variant allele frequency, disease prevalence and penetrance estimates, and inheritance mode, an automated score was calculated to assess if this variant is too frequent to cause the disease. Based on the score and internal cut-off values, a variant classified as benign is not then subjected to further curation. The score for this variant resulted in a classification of benign for this disease.

Breakthrough Genomics
Classification: Benign. Review status: criteria provided, single submitter. Criteria: ACMG Guidelines, 2015. Collection method: not provided. Allele origin: germline. Inheritance: Autosomal dominant inheritance. Affected: yes.

PreventionGenetics, part of Exact Sciences
Classification: Benign for NR3C2-related condition. Last evaluated: 2019-06-23. Review status: no assertion criteria provided. Collection method: clinical testing. Allele origin: germline. Not counted in ClinVar's aggregate classification.
Comment: This variant is classified as benign based on ACMG/AMP sequence variant interpretation guidelines (Richards et al. 2015 PMID: 25741868, with internal and published modifications).